The following is an entry in ClinVar:

NM_001164508.2(NEB):c.16932C>A (p.Asp5644Glu)

Gene: NEB (nebulin; minus strand). Cytogenetic location: 2q23.3.
Variant type: single nucleotide variant.
Coding change: c.16932C>A on transcript NM_001164508.2 (MANE Select); coding-DNA position 16932, C replaced by A.
Protein change: p.Asp5644Glu; replaces aspartic acid 5644 with glutamic acid.
Molecular consequence: missense variant.
Genome position (GRCh38, 1-based): chr2:151,575,776, G>T on the plus strand (C>A on the coding strand, the complement: NEB is on the minus strand). VCF-style: chr2-151575776-G-T. GRCh37 (hg19) VCF-style: chr2-152432290-G-T.
Other names: c.16932C>A, p.Asp5644Glu (NM_001164507.2, NM_001271208.2); c.11829C>A, p.Asp3943Glu (NM_004543.5); short protein forms D3943E, D5644E.
Identifiers: ClinVar variation 1904300 (VCV001904300.2), dbSNP rs1578232182, ClinGen allele CA348809585.

ClinVar aggregate classification (germline): Uncertain significance (1 of 4 stars; one submission).

Conditions:
Nemaline myopathy 2 (NEM2). Also called: Nemaline myopathy 2, autosomal recessive. Identifiers: MedGen C1850569, MONDO:0009725, OMIM 256030.

Submission:

Labcorp Genetics (formerly Invitae), Labcorp
Classification: Uncertain significance for Nemaline myopathy 2. Last evaluated: 2020-10-28. Review status: criteria provided, single submitter. Criteria: Invitae Variant Classification Sherloc (09022015). Collection method: clinical testing. Allele origin: germline.
Comment: This sequence change replaces aspartic acid with glutamic acid at codon 5644 of the NEB protein (p.Asp5644Glu). The aspartic acid residue is moderately conserved and there is a small physicochemical difference between aspartic acid and glutamic acid. This variant is not present in population databases (ExAC no frequency). This variant has not been reported in the literature in individuals with NEB-related conditions. Algorithms developed to predict the effect of missense changes on protein structure and function are either unavailable or do not agree on the potential impact of this missense change (SIFT: "Tolerated"; PolyPhen-2: "Not Available"; Align-GVGD: "Class C0"). In summary, the available evidence is currently insufficient to determine the role of this variant in disease. Therefore, it has been classified as a Variant of Uncertain Significance.